The following is an entry in ClinVar:

ClinVar aggregate classification (germline): Likely benign (1 of 4 stars; one submission).

gnomAD v4.1: 6 of 1,613,816 alleles (0.00037%); highest among the groups gnomAD compares: Admixed American, 0.0017%; no homozygotes.

Submission:

CeGaT Center for Human Genetics Tuebingen
Classification: Likely benign. Last evaluated: 2024-08-01. Review status: criteria provided, single submitter. Criteria: CeGaT Center For Human Genetics Tuebingen Variant Classification Criteria Version 2. Collection method: clinical testing. Allele origin: germline. Affected: yes. Observed: 1 variant allele.
Comment: IL2RA: BP4, BP7

NM_000417.3(IL2RA):c.777C>T (p.Leu259=)

Gene: IL2RA (interleukin 2 receptor subunit alpha; minus strand). Cytogenetic location: 10p15.1.
Variant type: single nucleotide variant.
Coding change: c.777C>T on transcript NM_000417.3 (MANE Select); coding-DNA position 777, C replaced by T.
Protein change: p.Leu259=; no amino-acid change (leucine 259 retained).
Molecular consequence: synonymous variant.
Genome position (GRCh38, 1-based): chr10:6,018,070, G>A on the plus strand (C>T on the coding strand, the complement: IL2RA is on the minus strand). VCF-style: chr10-6018070-G-A. GRCh37 (hg19) VCF-style: chr10-6060033-G-A.
Other names: c.561C>T, p.Leu187= (NM_001308242.2); c.489C>T, p.Leu163= (NM_001308243.2).
Identifiers: ClinVar variation 3341947 (VCV003341947.16).